The following is an entry in ClinVar:

ClinVar aggregate classification (germline): Uncertain significance (1 of 4 stars; one submission).

gnomAD v4.1: 3 of 1,606,732 alleles (0.00019%); highest among the groups gnomAD compares: South Asian, 0.0011%; no homozygotes.

Submission:

CeGaT Center for Human Genetics Tuebingen
Classification: Uncertain significance. Last evaluated: 2025-08-01. Review status: criteria provided, single submitter. Criteria: CeGaT Center For Human Genetics Tuebingen Variant Classification Criteria Version 2. Collection method: clinical testing. Allele origin: germline. Affected: yes. Observed: 1 variant allele.
Comment: CHD1: PS2:Supporting

NM_001270.4(CHD1):c.3451A>G (p.Ile1151Val)

Gene: CHD1 (chromodomain helicase DNA binding protein 1; minus strand). Cytogenetic location: 5q15.
Variant type: single nucleotide variant.
Coding change: c.3451A>G on transcript NM_001270.4 (MANE Select); coding-DNA position 3451, A replaced by G.
Protein change: p.Ile1151Val; replaces isoleucine 1151 with valine.
Molecular consequence: missense variant. On other transcripts: non-coding transcript variant (2).
Genome position (GRCh38, 1-based): chr5:98,873,713, T>C on the plus strand (A>G on the coding strand, the complement: CHD1 is on the minus strand). VCF-style: chr5-98873713-T-C. GRCh37 (hg19) VCF-style: chr5-98209417-T-C.
Other names: c.3451A>G, p.Ile1151Val (NM_001364113.3, NM_001376194.2); short protein forms I1151V.
Identifiers: ClinVar variation 4085090 (VCV004085090.8).